The following is an entry in ClinVar:

NM_000492.4(CFTR):c.2882T>C (p.Met961Thr)

Gene: CFTR (CF transmembrane conductance regulator; plus strand). Cytogenetic location: 7q31.2.
Variant type: single nucleotide variant.
Coding change: c.2882T>C on transcript NM_000492.4 (MANE Select); coding-DNA position 2882, T replaced by C.
Protein change: p.Met961Thr; replaces methionine 961 with threonine.
Molecular consequence: missense variant.
Genome position (GRCh38, 1-based): chr7:117,603,756, T>C. VCF-style: chr7-117603756-T-C. GRCh37 (hg19) VCF-style: chr7-117243810-T-C.
Other names: c.2882T>C (NM_000492.3); short protein forms M961T.
Identifiers: ClinVar variation 501134 (VCV000501134.12), dbSNP rs769377991, ClinGen allele CA4451306.

ClinVar aggregate classification (germline): Uncertain significance. Review status: criteria provided, multiple submitters, no conflicts (2 of 4 stars). 4 submissions from 4 submitters: Uncertain significance (4). Last evaluated 2025-08-30.

Conditions:
Cystic fibrosis (CF). Also called: MUCOVISCIDOSIS. Identifiers: Orphanet 586, MedGen C0010674, MONDO:0009061, OMIM 219700. Disease mechanism: loss of function.

Allele frequency attached by ClinVar (database versions not stated): gnomAD exomes 0.00001 and below 0.00001; gnomAD 0.00002; ExAC 0.00001; TOPMed 0.00005.

Submissions (4):

Ambry Genetics
Classification: Uncertain significance for Cystic fibrosis. Last evaluated: 2025-08-30. Review status: criteria provided, single submitter. Criteria: Ambry Variant Classification Scheme 2023. Collection method: clinical testing. Allele origin: germline.
Comment: The p.M961T variant (also known as c.2882T>C), located in coding exon 17 of the CFTR gene, results from a T to C substitution at nucleotide position 2882. The methionine at codon 961 is replaced by threonine, an amino acid with similar properties. This amino acid position is well conserved in available vertebrate species. In addition, this alteration is predicted to be deleterious by in silico analysis. Based on the available evidence, the clinical significance of this variant remains unclear.

Labcorp Genetics (formerly Invitae), Labcorp
Classification: Uncertain significance for Cystic fibrosis. Last evaluated: 2024-06-14. Review status: criteria provided, single submitter. Criteria: Invitae Variant Classification Sherloc (09022015). Collection method: clinical testing. Allele origin: germline.
Comment: This sequence change replaces methionine, which is neutral and non-polar, with threonine, which is neutral and polar, at codon 961 of the CFTR protein (p.Met961Thr). This variant is present in population databases (rs769377991, gnomAD 0.01%). This variant has not been reported in the literature in individuals affected with CFTR-related conditions. ClinVar contains an entry for this variant (Variation ID: 501134). Advanced modeling of protein sequence and biophysical properties (such as structural, functional, and spatial information, amino acid conservation, physicochemical variation, residue mobility, and thermodynamic stability) has been performed at Invitae for this missense variant, however the output from this modeling did not meet the statistical confidence thresholds required to predict the impact of this variant on CFTR protein function. In summary, the available evidence is currently insufficient to determine the role of this variant in disease. Therefore, it has been classified as a Variant of Uncertain Significance.

ARUP Laboratories, Molecular Genetics and Genomics, ARUP Laboratories
Classification: Uncertain significance. Last evaluated: 2023-09-15. Review status: criteria provided, single submitter. Criteria: ARUP Molecular Germline Variant Investigation Process 2024. Collection method: clinical testing. Allele origin: germline.
Comment: The CFTR c.2882T>C; p.Met961Thr variant (rs769377991) is reported in the literature in an individual affected with acute pancreatitis, however a second CFTR variant was not identified (Lohr 2014). This variant is reported in ClinVar (Variation ID: 501134). This variant is only observed on two alleles in the Genome Aggregation Database, indicating it is not a common polymorphism. Computational analyses predict that this variant is deleterious (REVEL: 0.841). Due to limited information, the clinical significance of this variant is uncertain at this time. References: Lohr JM and Haas S. Can a polymorphism in the thalassemia gene and a heterozygote CFTR mutation cause acute pancreatitis? World J Clin Cases. 2014 Mar 16;2(3):62-6. PMID: 24653987.

Eurofins Ntd Llc (ga)
Classification: Uncertain significance. Last evaluated: 2017-03-28. Review status: criteria provided, single submitter. Criteria: EGL Classification Definitions 2015. Collection method: clinical testing. Allele origin: germline. Observed: 1 variant allele, 1 heterozygote.